The following is an entry in ClinVar:

NM_003070.5(SMARCA2):c.3843C>T (p.Pro1281=)

Gene: SMARCA2 (SWI/SNF related BAF chromatin remodeling complex subunit ATPase 2; plus strand). Cytogenetic location: 9p24.3.
Variant type: single nucleotide variant.
Coding change: c.3843C>T on transcript NM_003070.5 (MANE Select); coding-DNA position 3843, C replaced by T.
Protein change: p.Pro1281=; no amino-acid change (proline 1281 retained).
Molecular consequence: synonymous variant.
Genome position (GRCh38, 1-based): chr9:2,123,799, C>T. VCF-style: chr9-2123799-C-T. GRCh37 (hg19) VCF-style: chr9-2123799-C-T.
Other names: c.3843C>T, p.Pro1281= (NM_001289396.2, NM_139045.4); c.3669C>T, p.Pro1223= (NM_001289397.2).
Identifiers: ClinVar variation 588558 (VCV000588558.20), dbSNP rs61736902, ClinGen allele CA4963869.

ClinVar aggregate classification (germline): Benign/Likely benign. Review status: criteria provided, multiple submitters, no conflicts (2 of 4 stars). 6 submissions from 6 submitters: Benign (3); Likely benign (2). 1 of the submissions does not count toward it. Last evaluated 2026-01-17.

Conditions:
Inborn genetic diseases. Identifiers: MedGen C0950123, MeSH D030342.
SMARCA2-related disorder. Also called: SMARCA2-related condition.

Allele frequency attached by ClinVar (database versions not stated): gnomAD exomes 0.00037 and 0.00108; ExAC 0.00157; 1000 Genomes Project 30x 0.00375; 1000 Genomes Project 0.00379; gnomAD 0.00453 and 0.00490; TOPMed 0.00457; ESP Exome Variant Server 0.00561.
gnomAD v4.1: 1,255 of 1,613,854 alleles (0.078%); highest among the groups gnomAD compares: African/African-American, 1.5%; 16 homozygotes.

Submissions (6):

Labcorp Genetics (formerly Invitae), Labcorp
Classification: Benign. Last evaluated: 2026-01-17. Review status: criteria provided, single submitter. Criteria: Invitae Variant Classification Sherloc (09022015). Collection method: clinical testing. Allele origin: germline.

ARUP Laboratories, Molecular Genetics and Genomics, ARUP Laboratories
Classification: Benign. Last evaluated: 2024-06-28. Review status: criteria provided, single submitter. Criteria: ARUP Molecular Germline Variant Investigation Process 2024. Collection method: clinical testing. Allele origin: germline.

GeneDx
Classification: Likely benign. Last evaluated: 2021-03-25. Review status: criteria provided, single submitter. Criteria: GeneDx Variant Classification Process June 2021. Collection method: clinical testing. Allele origin: germline. Affected: yes.

Ambry Genetics
Classification: Benign for Inborn genetic diseases. Last evaluated: 2016-04-15. Review status: criteria provided, single submitter. Criteria: Ambry Variant Classification Scheme 2023. Collection method: clinical testing. Allele origin: germline.

Breakthrough Genomics
Classification: Likely benign. Review status: criteria provided, single submitter. Criteria: ACMG Guidelines, 2015. Collection method: not provided. Allele origin: germline. Inheritance: Autosomal dominant inheritance. Affected: yes.

PreventionGenetics, part of Exact Sciences
Classification: Benign for SMARCA2-related condition. Last evaluated: 2023-02-07. Review status: no assertion criteria provided. Collection method: clinical testing. Allele origin: germline. Not counted in ClinVar's aggregate classification.
Comment: This variant is classified as benign based on ACMG/AMP sequence variant interpretation guidelines (Richards et al. 2015 PMID: 25741868, with internal and published modifications).